The following is an entry in ClinVar:

ClinVar aggregate classification (germline): Uncertain significance. Review status: criteria provided, multiple submitters, no conflicts (2 of 4 stars). 3 submissions from 3 submitters: Uncertain significance (3). Last evaluated 2026-09-11.

Conditions:
Marfan syndrome (MFS). Also called: MARFAN SYNDROME, TYPE I; Marfan syndrome type 1; Marfan's syndrome; Marfan syndrome, classic; FBN1-Related Marfan Syndrome. Identifiers: Orphanet 284963, Orphanet 558, MedGen C0024796, MONDO:0007947, OMIM 154700.
Familial thoracic aortic aneurysm and aortic dissection (TAAD). Also called: Thoracic aortic aneurysms and dissections. Identifiers: Orphanet 91387, MedGen C4707243, MONDO:0019625.

Allele frequency attached by ClinVar (database versions not stated): ExAC 0.00002; TOPMed below 0.00001; gnomAD exomes 0.00001.
gnomAD v4.1: 5 of 1,614,154 alleles (0.00031%); highest among the groups gnomAD compares: Non-Finnish European, 0.00042%; no homozygotes.

Submissions (3):

Ambry Genetics
Classification: Uncertain significance for Familial thoracic aortic aneurysm and aortic dissection. Last evaluated: 2026-09-11. Review status: criteria provided, single submitter. Criteria: Ambry Variant Classification Scheme 2023. Collection method: clinical testing. Allele origin: germline.

Labcorp Genetics (formerly Invitae), Labcorp
Classification: Uncertain significance for Marfan syndrome; Familial thoracic aortic aneurysm and aortic dissection. Last evaluated: 2024-10-17. Review status: criteria provided, single submitter. Criteria: Invitae Variant Classification Sherloc (09022015). Collection method: clinical testing. Allele origin: germline.
Comment: This sequence change replaces proline, which is neutral and non-polar, with arginine, which is basic and polar, at codon 1837 of the FBN1 protein (p.Pro1837Arg). This variant is present in population databases (rs752008146, gnomAD 0.003%). This variant has not been reported in the literature in individuals affected with FBN1-related conditions. ClinVar contains an entry for this variant (Variation ID: 923648). Invitae Evidence Modeling of protein sequence and biophysical properties (such as structural, functional, and spatial information, amino acid conservation, physicochemical variation, residue mobility, and thermodynamic stability) has been performed for this missense variant. However, the output from this modeling did not meet the statistical confidence thresholds required to predict the impact of this variant on FBN1 protein function. In summary, the available evidence is currently insufficient to determine the role of this variant in disease. Therefore, it has been classified as a Variant of Uncertain Significance.

Color Diagnostics, LLC DBA Color Health
Classification: Uncertain significance for Familial thoracic aortic aneurysm and aortic dissection. Last evaluated: 2019-02-04. Review status: criteria provided, single submitter. Criteria: ACMG Guidelines, 2015. Collection method: clinical testing. Allele origin: germline.
Comment: Variant of Uncertain Significance due to insufficient evidence: This missense variant replaces proline with arginine at codon 1837 of the FBN1 protein. Computational prediction tools and conservation analyses suggest that this variant may have deleterious impact on the protein function. Computational splicing tools suggest that this variant may not impact RNA splicing. To our knowledge, functional assays have not been performed for this variant nor has this variant been reported in individuals affected with cardiovascular disorders in the literature. This variant has been identified in 3/246022 chromosomes in the general population by the Genome Aggregation Database (gnomAD). Available evidence is insufficient to determine the role of this variant in disease conclusively.

NM_000138.5(FBN1):c.5510C>G (p.Pro1837Arg)

Gene: FBN1 (fibrillin 1; minus strand). Cytogenetic location: 15q21.1.
Variant type: single nucleotide variant.
Coding change: c.5510C>G on transcript NM_000138.5 (MANE Select); coding-DNA position 5510, C replaced by G.
Protein change: p.Pro1837Arg; replaces proline 1837 with arginine.
Molecular consequence: missense variant.
Genome position (GRCh38, 1-based): chr15:48,452,597, G>C on the plus strand (C>G on the coding strand, the complement: FBN1 is on the minus strand). VCF-style: chr15-48452597-G-C. GRCh37 (hg19) VCF-style: chr15-48744794-G-C.
Other names: short protein forms P1837R.
Identifiers: ClinVar variation 923648 (VCV000923648.5), dbSNP rs752008146, ClinGen allele CA055080.